The following is an entry in ClinVar:

NM_000092.5(COL4A4):c.1856_1857insT (p.Gly622fs)

Gene: COL4A4 (collagen type IV alpha 4 chain; minus strand). Cytogenetic location: 2q36.3.
Variant type: Insertion.
Coding change: c.1856_1857insT on transcript NM_000092.5 (MANE Select); coding-DNA positions 1856 to 1857, T inserted.
Protein change: p.Gly622fs; shifts the reading frame from glycine 622.
Molecular consequence: frameshift variant.
Genome position: GRCh38 VCF-style: chr2-227078024-G-GA. GRCh37 (hg19) VCF-style: chr2-227942740-G-GA.
Other names: short protein forms G622fs.
Identifiers: ClinVar variation 2758949 (VCV002758949.3), dbSNP rs2474719433, ClinGen allele CA2697550474.

ClinVar aggregate classification (germline): Pathogenic (1 of 4 stars; one submission).

Submission:

Labcorp Genetics (formerly Invitae), Labcorp
Classification: Pathogenic. Last evaluated: 2023-09-28. Review status: criteria provided, single submitter. Criteria: Invitae Variant Classification Sherloc (09022015). Collection method: clinical testing. Allele origin: germline.
Comment: This sequence change creates a premature translational stop signal (p.Gly622Argfs*35) in the COL4A4 gene. It is expected to result in an absent or disrupted protein product. Loss-of-function variants in COL4A4 are known to be pathogenic (PMID: 21196518, 24854265, 25307543). For these reasons, this variant has been classified as Pathogenic. This variant has not been reported in the literature in individuals affected with COL4A4-related conditions. This variant is not present in population databases (gnomAD no frequency).

Literature cited by the submitters: PubMed 21196518; PubMed 24854265; PubMed 25307543.